The following is an entry in ClinVar:

NM_005967.4(NAB2):c.631C>T (p.Pro211Ser)

Gene: NAB2 (NGFI-A binding protein 2; plus strand). Cytogenetic location: 12q13.3.
Variant type: single nucleotide variant.
Coding change: c.631C>T on transcript NM_005967.4 (MANE Select); coding-DNA position 631, C replaced by T.
Protein change: p.Pro211Ser; replaces proline 211 with serine.
Molecular consequence: missense variant.
Genome position (GRCh38, 1-based): chr12:57,091,672, C>T. VCF-style: chr12-57091672-C-T. GRCh37 (hg19) VCF-style: chr12-57485455-C-T.
Other names: c.631C>T, p.Pro211Ser (NM_001330305.2); short protein forms P211S.
Identifiers: ClinVar variation 779440 (VCV000779440.12), dbSNP rs2233271, ClinGen allele CA6641102.

ClinVar aggregate classification (germline): Benign. Review status: criteria provided, multiple submitters, no conflicts (2 of 4 stars). 3 submissions from 3 submitters: Benign (3). Last evaluated 2025-08-01.

Allele frequency attached by ClinVar (database versions not stated): TOPMed 0.00699; 1000 Genomes Project 0.00280; 1000 Genomes Project 30x 0.00297; ESP Exome Variant Server 0.00689.

Submissions (3):

CeGaT Center for Human Genetics Tuebingen
Classification: Benign. Last evaluated: 2025-08-01. Review status: criteria provided, single submitter. Criteria: CeGaT Center For Human Genetics Tuebingen Variant Classification Criteria Version 2. Collection method: clinical testing. Allele origin: germline. Affected: yes. Observed: 1 variant allele.
Comment: NAB2: BS1, BS2

Labcorp Genetics (formerly Invitae), Labcorp
Classification: Benign. Last evaluated: 2018-07-21. Review status: criteria provided, single submitter. Criteria: Invitae Variant Classification Sherloc (09022015). Collection method: clinical testing. Allele origin: germline.

Breakthrough Genomics
Classification: Benign. Review status: criteria provided, single submitter. Criteria: ACMG Guidelines, 2015. Collection method: not provided. Allele origin: germline. Inheritance: Unknown mechanism. Affected: yes.